The following is an entry in ClinVar:

ClinVar aggregate classification (germline): Uncertain significance (1 of 4 stars; one submission).

Submission:

CeGaT Center for Human Genetics Tuebingen
Classification: Uncertain significance. Last evaluated: 2024-06-01. Review status: criteria provided, single submitter. Criteria: CeGaT Center For Human Genetics Tuebingen Variant Classification Criteria Version 2. Collection method: clinical testing. Allele origin: germline. Affected: yes. Observed: 1 variant allele.
Comment: MGST2: PM2, BP4

NM_002413.5(MGST2):c.415A>G (p.Ile139Val)

Gene: MGST2 (microsomal glutathione S-transferase 2; plus strand). Cytogenetic location: 4q31.1.
Variant type: single nucleotide variant.
Coding change: c.415A>G on transcript NM_002413.5 (MANE Select); coding-DNA position 415, A replaced by G.
Protein change: p.Ile139Val; replaces isoleucine 139 with valine.
Molecular consequence: missense variant. On other transcripts: 3 prime UTR variant (1).
Genome position (GRCh38, 1-based): chr4:139,704,119, A>G. VCF-style: chr4-139704119-A-G. GRCh37 (hg19) VCF-style: chr4-140625273-A-G.
Other names: c.415A>G, p.Ile139Val (NM_001204366.2); c.211A>G, p.Ile71Val (NM_001204367.2); c.*110A>G (NM_001204368.2); short protein forms I139V, I71V.
Identifiers: ClinVar variation 3250806 (VCV003250806.18), dbSNP rs2530658687.
Genomic context (GRCh38, chr4:139,704,119, plus strand): 5'-ACCCTCCTAGGTGCCCTGGGAATTGCAAACAGCTTTCTGGATGAATATCTGGACCTCAAT[A>G]TTGCCAAGAAACTGAGGCGGCAATTCTAACTTTTTCTCTTCCCTTTAATACTTGCAGAAG-3'
Protein context (NP_002404.1, residues 129-147): SFLDEYLDLN[Ile139Val]AKKLRRQF